The following is an entry in ClinVar:

NM_015178.3(RHOBTB2):c.1406A>G (p.Asn469Ser)

Gene: RHOBTB2 (Rho related BTB domain containing 2; plus strand). Cytogenetic location: 8p21.3.
Variant type: single nucleotide variant.
Coding change: c.1406A>G on transcript NM_015178.3 (MANE Select); coding-DNA position 1406, A replaced by G.
Protein change: p.Asn469Ser; replaces asparagine 469 with serine.
Molecular consequence: missense variant.
Genome position (GRCh38, 1-based): chr8:23,007,651, A>G. VCF-style: chr8-23007651-A-G. GRCh37 (hg19) VCF-style: chr8-22865164-A-G.
Other names: c.1472A>G, p.Asn491Ser (NM_001160036.2); c.1427A>G, p.Asn476Ser (NM_001160037.2); c.1406A>G, p.Asn469Ser (NM_001374791.1); short protein forms N469S, N476S, N491S.
Identifiers: ClinVar variation 1705430 (VCV001705430.1), dbSNP rs2487014122, ClinGen allele CA370568994.

ClinVar aggregate classification (germline): Uncertain significance (1 of 4 stars; one submission).

Conditions:
Developmental and epileptic encephalopathy, 64. Also called: EPILEPTIC ENCEPHALOPATHY, EARLY INFANTILE, 64. Identifiers: MedGen C4693899, MONDO:0033373, OMIM 618004.

Allele frequency attached by ClinVar (database versions not stated): gnomAD exomes below 0.00001.
gnomAD v4.1: 1 of 1,614,150 alleles (0.000062%); highest among the groups gnomAD compares: Non-Finnish European, 0.000085%; no homozygotes.

Submission:

3billion
Classification: Uncertain significance for Developmental and epileptic encephalopathy, 64. Last evaluated: 2022-09-01. Review status: criteria provided, single submitter. Criteria: ACMG Guidelines, 2015. Collection method: clinical testing. Allele origin: germline. Affected: yes. Observed: 1 heterozygote.
Comment: The variant is not observed in the gnomAD v2.1.1 dataset. Missense changes are a common disease-causing mechanism. Therefore, this variant is classified as uncertain significance according to the recommendation of ACMG/AMP guideline.